The following is an entry in ClinVar:

NM_015386.3(COG4):c.1759C>A (p.Gln587Lys)

Gene: COG4 (component of oligomeric golgi complex 4; minus strand). Cytogenetic location: 16q22.1.
Variant type: single nucleotide variant.
Coding change: c.1759C>A on transcript NM_015386.3 (MANE Select); coding-DNA position 1759, C replaced by A.
Protein change: p.Gln587Lys; replaces glutamine 587 with lysine.
Molecular consequence: missense variant. On other transcripts: non-coding transcript variant (1).
Genome position (GRCh38, 1-based): chr16:70,483,921, G>T on the plus strand (C>A on the coding strand, the complement: COG4 is on the minus strand). VCF-style: chr16-70483921-G-T. GRCh37 (hg19) VCF-style: chr16-70517824-G-T.
Other names: c.1684C>A, p.Gln562Lys (NM_001195139.2); c.1333C>A, p.Gln445Lys (NM_001365426.1); short protein forms Q587K, Q445K, Q562K.
Identifiers: ClinVar variation 95696 (VCV000095696.51), dbSNP rs113455884, ClinGen allele CA148764.
Genomic context (GRCh38, chr16:70,483,921, plus strand): 5'-GGTCTCGGAATTTGTTGGACACGGCGGCCAAGTCAGAAAGGCAGCTGTCAAACTTGGCCT[G>T]GGCCTGCTCCCCTCCAATGCCCTGGCTGAAGAGCTTGGTGCAGTCACTCTAGGGGAGAAC-3'
Protein context (NP_056201.2, residues 577-597): FSQGIGGEQA[Gln587Lys]AKFDSCLSDL

ClinVar aggregate classification (germline): Benign/Likely benign. Review status: criteria provided, multiple submitters, no conflicts (2 of 4 stars). 8 submissions from 8 submitters: Benign (2); Likely benign (5). 1 of the submissions does not count toward it. Last evaluated 2026-06-01.

Conditions:
COG4-related disorder. Also called: COG4-related condition.
COG4-congenital disorder of glycosylation. Also called: COG4-CDG; CONGENITAL DISORDER OF GLYCOSYLATION, TYPE IIj; CDG IIj. Identifiers: Orphanet 263501, MedGen C4303552, MONDO:0013281, OMIM 613489.

Allele frequency attached by ClinVar (database versions not stated): TOPMed 0.00435; 1000 Genomes Project 30x 0.00219; ExAC 0.00467; gnomAD 0.00524 and 0.00516; 1000 Genomes Project 0.00240; gnomAD exomes 0.00470 and 0.00863; ESP Exome Variant Server 0.00569.
gnomAD v4.1: 13,228 of 1,613,232 alleles (0.82%); highest among the groups gnomAD compares: Non-Finnish European, 1%; 79 homozygotes.

Submissions (8):

CeGaT Center for Human Genetics Tuebingen
Classification: Benign. Last evaluated: 2026-06-01. Review status: criteria provided, single submitter. Criteria: CeGaT Center For Human Genetics Tuebingen Variant Classification Criteria Version 2. Collection method: clinical testing. Allele origin: germline. Affected: yes. Observed: 6 variant alleles.
Comment: COG4: BS1, BS2

Labcorp Genetics (formerly Invitae), Labcorp
Classification: Likely benign for COG4-congenital disorder of glycosylation. Last evaluated: 2026-01-15. Review status: criteria provided, single submitter. Criteria: Invitae Variant Classification Sherloc (09022015). Collection method: clinical testing. Allele origin: germline.

Mayo Clinic Laboratories, Mayo Clinic
Classification: Likely benign. Last evaluated: 2025-05-06. Review status: criteria provided, single submitter. Criteria: ACMG Guidelines, 2015. Collection method: clinical testing. Allele origin: germline. Observed: 2 variant alleles.
Comment: BS1, BP4

GeneDx
Classification: Likely benign. Last evaluated: 2018-06-11. Review status: criteria provided, single submitter. Criteria: GeneDx Variant Classification Process June 2021. Collection method: clinical testing. Allele origin: germline. Affected: yes.

Center for Pediatric Genomic Medicine, Children's Mercy Hospital and Clinics
Classification: Likely benign. Last evaluated: 2016-09-01. Review status: criteria provided, single submitter. Criteria: ACMG Guidelines, 2015. Collection method: clinical testing. Allele origin: germline.
ClinVar note: Converted during submission from Likely Benign to Likely benign.

Eurofins Ntd Llc (ga)
Classification: Benign. Last evaluated: 2013-10-25. Review status: criteria provided, single submitter. Criteria: EGL Classification Definitions 2015. Collection method: clinical testing. Allele origin: germline. Observed: 1 variant allele, 1 heterozygote.

Breakthrough Genomics
Classification: Likely benign. Review status: criteria provided, single submitter. Criteria: ACMG Guidelines, 2015. Collection method: not provided. Allele origin: germline. Inheritance: Autosomal recessive inheritance. Affected: yes.

PreventionGenetics, part of Exact Sciences
Classification: Benign for COG4-related condition. Last evaluated: 2024-09-25. Review status: no assertion criteria provided. Collection method: clinical testing. Allele origin: germline. Not counted in ClinVar's aggregate classification.
Comment: This variant is classified as benign based on ACMG/AMP sequence variant interpretation guidelines (Richards et al. 2015 PMID: 25741868, with internal and published modifications).